The following is an entry in ClinVar:

NM_024642.5(GALNT12):c.353C>T (p.Pro118Leu)

Gene: GALNT12 (polypeptide N-acetylgalactosaminyltransferase 12; plus strand). Cytogenetic location: 9q22.33.
Variant type: single nucleotide variant.
Coding change: c.353C>T on transcript NM_024642.5 (MANE Select); coding-DNA position 353, C replaced by T.
Protein change: p.Pro118Leu; replaces proline 118 with leucine.
Molecular consequence: missense variant.
Genome position (GRCh38, 1-based): chr9:98,808,051, C>T. VCF-style: chr9-98808051-C-T. GRCh37 (hg19) VCF-style: chr9-101570333-C-T.
Other names: short protein forms P118L.
Identifiers: ClinVar variation 2451767 (VCV002451767.2), dbSNP rs2490456423, ClinGen allele CA374223117.

ClinVar aggregate classification (germline): Uncertain significance (1 of 4 stars; one submission).

Allele frequency attached by ClinVar (database versions not stated): gnomAD exomes below 0.00001.
gnomAD v4.1: 3 of 1,581,522 alleles (0.00019%); highest among the groups gnomAD compares: South Asian, 0.0035%; no homozygotes.

Submission:

Ambry Genetics
Classification: Uncertain significance. Last evaluated: 2022-12-17. Review status: criteria provided, single submitter. Criteria: Ambry Variant Classification Scheme 2023. Collection method: clinical testing. Allele origin: germline.
Comment: The p.P118L variant (also known as c.353C>T), located in coding exon 1 of the GALNT12 gene, results from a C to T substitution at nucleotide position 353. The proline at codon 118 is replaced by leucine, an amino acid with similar properties. This amino acid position is conserved. In addition, the in silico prediction for this alteration is inconclusive. Since supporting evidence is limited at this time, the clinical significance of this alteration remains unclear.